The following is an entry in ClinVar:

ClinVar aggregate classification (germline): Uncertain significance. Review status: criteria provided, multiple submitters, no conflicts (2 of 4 stars). 3 submissions from 3 submitters: Uncertain significance (3). Last evaluated 2025-12-02.

Conditions:
EGFR-related lung cancer (EGFR). Identifiers: MedGen CN130014.
Lung cancer. Also called: Lung cancer, somatic; Malignant tumor of lung. Identifiers: MedGen C0242379, MONDO:0008903, OMIM 211980.
Inflammatory skin and bowel disease, neonatal, 2 (NNCIS). Identifiers: Orphanet 294023, MedGen C4015130, MONDO:0014481, OMIM 616069.
Hereditary cancer-predisposing syndrome. Also called: Tumor predisposition; Hereditary neoplastic syndrome; Hereditary Cancer Syndrome; Neoplastic Syndromes, Hereditary. Identifiers: Orphanet 140162, MedGen C0027672, MeSH D009386, MONDO:0015356.

Allele frequency attached by ClinVar (database versions not stated): gnomAD exomes 0.00001 and 0.00002; TOPMed 0.00001; gnomAD 0.00002; ExAC 0.00003; 1000 Genomes Project 30x 0.00016; 1000 Genomes Project 0.00020.
gnomAD v4.1: 12 of 1,614,218 alleles (0.00074%); highest among the groups gnomAD compares: Middle Eastern, 0.033%; no homozygotes.

Submissions (3):

Labcorp Genetics (formerly Invitae), Labcorp
Classification: Uncertain significance for EGFR-related lung cancer. Last evaluated: 2025-12-02. Review status: criteria provided, single submitter. Criteria: Invitae Variant Classification Sherloc (09022015). Collection method: clinical testing. Allele origin: germline.
Comment: This sequence change replaces threonine, which is neutral and polar, with methionine, which is neutral and non-polar, at codon 638 of the EGFR protein (p.Thr638Met). This variant is present in population databases (rs571064657, gnomAD 0.02%). This variant has not been reported in the literature in individuals affected with EGFR-related conditions. ClinVar contains an entry for this variant (Variation ID: 936384). Invitae Evidence Modeling of protein sequence and biophysical properties (such as structural, functional, and spatial information, amino acid conservation, physicochemical variation, residue mobility, and thermodynamic stability) indicates that this missense variant is not expected to disrupt EGFR protein function with a negative predictive value of 80%. In summary, the available evidence is currently insufficient to determine the role of this variant in disease. Therefore, it has been classified as a Variant of Uncertain Significance.

Ambry Genetics
Classification: Uncertain significance for Hereditary cancer-predisposing syndrome. Last evaluated: 2024-12-14. Review status: criteria provided, single submitter. Criteria: Ambry Variant Classification Scheme 2023. Collection method: clinical testing. Allele origin: germline.
Comment: The p.T638M variant (also known as c.1913C>T), located in coding exon 16 of the EGFR gene, results from a C to T substitution at nucleotide position 1913. The threonine at codon 638 is replaced by methionine, an amino acid with similar properties. This amino acid position is poorly conserved in available vertebrate species. In addition, this alteration is predicted to be tolerated by in silico analysis. Based on the available evidence, the clinical significance of this variant remains unclear.

Fulgent Genetics
Classification: Uncertain significance for Lung cancer; Inflammatory skin and bowel disease, neonatal, 2. Last evaluated: 2024-06-22. Review status: criteria provided, single submitter. Criteria: ACMG Guidelines, 2015. Collection method: clinical testing. Allele origin: germline.

NM_005228.5(EGFR):c.1913C>T (p.Thr638Met)

Gene: EGFR (epidermal growth factor receptor; plus strand). Cytogenetic location: 7p11.2.
Variant type: single nucleotide variant.
Coding change: c.1913C>T on transcript NM_005228.5 (MANE Select); coding-DNA position 1913, C replaced by T.
Protein change: p.Thr638Met; replaces threonine 638 with methionine.
Molecular consequence: missense variant.
Genome position (GRCh38, 1-based): chr7:55,171,207, C>T. VCF-style: chr7-55171207-C-T. GRCh37 (hg19) VCF-style: chr7-55238900-C-T.
Other names: c.1778C>T, p.Thr593Met (NM_001346897.2, NM_001346899.2); c.1913C>T, p.Thr638Met (NM_001346898.2); c.1754C>T, p.Thr585Met (NM_001346900.2); c.1112C>T, p.Thr371Met (NM_001346941.2); short protein forms T593M, T585M, T371M, T638M.
Identifiers: ClinVar variation 936384 (VCV000936384.10), dbSNP rs571064657, ClinGen allele CA4265861.
Genomic context (GRCh38, chr7:55,171,207, plus strand): 5'-ATGTATATTTCTCTTTCACTTCCTACAGATGCACTGGGCCAGGTCTTGAAGGCTGTCCAA[C>T]GAATGGGTAAGTGTTCACAGCTCTGTGTCACATGGACCTCGTCAAGAATGACCACACTGC-3'
Protein context (NP_005219.2, residues 628-648): CTGPGLEGCP[Thr638Met]NGPKIPSIAT